The following is an entry in ClinVar:

NM_206937.2(LIG4):c.1642_1643del (p.Tyr548fs)

Gene: LIG4 (DNA ligase 4; minus strand). Cytogenetic location: 13q33.3.
Variant type: Microsatellite.
Coding change: c.1642_1643del on transcript NM_206937.2 (MANE Select); coding-DNA positions 1642 to 1643, 2 bases deleted (TA; older notation c.1642_1643delTA).
Protein change: p.Tyr548fs; shifts the reading frame from tyrosine 548.
Molecular consequence: frameshift variant.
Genome position (GRCh38, 1-based): chr13:108,209,626-108,209,627, TA deleted on the plus strand (TA on the coding strand, the reverse complement: LIG4 is on the minus strand); deleting any 2 consecutive bases within chr13:108,209,626-108,209,629 gives the same sequence; the c. name uses the placement nearest the transcript's 3' end. VCF-style (leftmost placement, unchanged base first): chr13-108209625-GTA-G. GRCh37 (hg19) VCF-style: chr13-108861973-GTA-G.
Other names: c.1642_1643del, p.Tyr548fs (NM_001098268.2, NM_001352598.2, NM_001352599.2 and 6 more transcripts); c.1441_1442del, p.Tyr481fs (NM_001330595.2); c.1678_1679del, p.Tyr560fs (NM_001352604.2); c.1642_1643delTA (NM_002312.3); short protein forms Y481fs, Y548fs, Y560fs.
Identifiers: ClinVar variation 638937 (VCV000638937.8), dbSNP rs1594458526, ClinGen allele CA915948663.

ClinVar aggregate classification (germline): Pathogenic (1 of 4 stars; one submission).

Conditions:
DNA ligase IV deficiency. Identifiers: Orphanet 99812, MedGen C1847827, MONDO:0011686, OMIM 606593.

Submission:

Labcorp Genetics (formerly Invitae), Labcorp
Classification: Pathogenic for DNA ligase IV deficiency. Last evaluated: 2018-09-26. Review status: criteria provided, single submitter. Criteria: Invitae Variant Classification Sherloc (09022015). Collection method: clinical testing. Allele origin: germline.
Comment: For these reasons, this variant has been classified as Pathogenic. This variant disrupts the C-terminus of the LIG4 protein. Other variant(s) that disrupt this region (p.Arg814*) have been determined to be pathogenic (PMID: 11779494, 27063650, 15333585, 24892279). This suggests that variants that disrupt this region of the protein are likely to be causative of disease. This sequence change results in a premature translational stop signal in the LIG4 gene (p.Tyr548Hisfs*2). While this is not anticipated to result in nonsense mediated decay, it is expected to disrupt the last 364 amino acids of the LIG4 protein. This variant is not present in population databases (ExAC no frequency). This variant has not been reported in the literature in individuals with LIG4-related disease. Experimental studies and prediction algorithms are not available for this variant, and the functional significance of the affected amino acid(s) is currently unknown.

Literature cited by the submitters: PubMed 11779494; PubMed 27063650; PubMed 15333585; PubMed 24892279.